The following is an entry in ClinVar:

ClinVar aggregate classification (germline): Affects (1 of 4 stars; one submission).

Conditions:
Type 2 diabetes mellitus. Also called: Type II diabetes mellitus. Identifiers: MedGen C0011860, MeSH D003924, MONDO:0005148, OMIM 125853, HP:0005978.

Submission:

Shenzhen Institute of Pediatrics, Shenzhen Children's Hospital
Classification: Affects for Type 2 diabetes mellitus. Last evaluated: 2017-09-08. Review status: criteria provided, single submitter. Criteria: ACMG Guidelines, 2015. Collection method: clinical testing. Allele origin: unknown. Inheritance: Autosomal dominant inheritance. Affected: yes. Observed: 1 variant allele, 1 compound heterozygote.
Comment: The genotype:[c.1331G>A(p. Trp444*)]+[c.963+1G>A]

NM_000340.2(SLC2A2):c.1331G>A (p.Trp444Ter)

Gene: SLC2A2 (solute carrier family 2 member 2; minus strand). Cytogenetic location: 3q26.2.
Variant type: single nucleotide variant.
Coding change: c.1331G>A on transcript NM_000340.2 (MANE Select); coding-DNA position 1331, G replaced by A.
Protein change: p.Trp444Ter; replaces tryptophan 444 with a stop codon.
Molecular consequence: nonsense.
Genome position (GRCh38, 1-based): chr3:170,998,236, C>T on the plus strand (G>A on the coding strand, the complement: SLC2A2 is on the minus strand). VCF-style: chr3-170998236-C-T. GRCh37 (hg19) VCF-style: chr3-170716025-C-T.
Other names: c.974G>A, p.Trp325Ter (NM_001278658.2); c.812G>A, p.Trp271Ter (NM_001278659.2); short protein forms W444*, W271*, W325*.
Identifiers: ClinVar variation 444009 (VCV000444009.2), dbSNP rs1553784995, ClinGen allele CA355485738.